The following is an entry in ClinVar:

NM_004415.4(DSP):c.3842G>A (p.Gly1281Asp)

Gene: DSP (desmoplakin; plus strand). Cytogenetic location: 6p24.3.
Variant type: single nucleotide variant.
Coding change: c.3842G>A on transcript NM_004415.4 (MANE Select); coding-DNA position 3842, G replaced by A.
Protein change: p.Gly1281Asp; replaces glycine 1281 with aspartic acid.
Molecular consequence: missense variant. On other transcripts: intron variant (1).
Genome position (GRCh38, 1-based): chr6:7,580,032, G>A. VCF-style: chr6-7580032-G-A. GRCh37 (hg19) VCF-style: chr6-7580265-G-A.
Other names: c.3842G>A, p.Gly1281Asp (NM_001319034.2); c.3582+260G>A (NM_001008844.3); short protein forms G1281D.
Identifiers: ClinVar variation 1009819 (VCV001009819.10), dbSNP rs757029634, ClinGen allele CA362684974.

ClinVar aggregate classification (germline): Uncertain significance. Review status: criteria provided, multiple submitters, no conflicts (2 of 4 stars). 2 submissions from 2 submitters: Uncertain significance (2). Last evaluated 2023-12-09.

Conditions:
Arrhythmogenic right ventricular dysplasia 8 (ARVD8). Also called: ARRHYTHMOGENIC RIGHT VENTRICULAR DYSPLASIA, FAMILIAL, 8; ARRHYTHMOGENIC RIGHT VENTRICULAR CARDIOMYOPATHY 8; Arrhythmogenic Right Ventricular Dysplasia/Cardiomyopathy 8. Identifiers: MedGen C1843896, MONDO:0011831, OMIM 607450.
Arrhythmogenic cardiomyopathy with wooly hair and keratoderma. Also called: Arrhythmogenic cardiomyopathy with woolly hair and keratoderma; Dilated cardiomyopathy with woolly hair and keratoderma; Carvajal syndrome; PALMOPLANTAR KERATODERMA WITH LEFT VENTRICULAR CARDIOMYOPATHY AND WOOLLY HAIR. Identifiers: Orphanet 65282, MedGen C1854063, MONDO:0011581, OMIM 605676.

gnomAD v4.1: 2 of 1,614,148 alleles (0.00012%); highest among the groups gnomAD compares: Non-Finnish European, 0.00017%; no homozygotes.

Submissions (2):

Labcorp Genetics (formerly Invitae), Labcorp
Classification: Uncertain significance for Arrhythmogenic cardiomyopathy with wooly hair and keratoderma; Arrhythmogenic right ventricular dysplasia 8. Last evaluated: 2023-12-09. Review status: criteria provided, single submitter. Criteria: Invitae Variant Classification Sherloc (09022015). Collection method: clinical testing. Allele origin: germline.
Comment: This sequence change replaces glycine, which is neutral and non-polar, with aspartic acid, which is acidic and polar, at codon 1281 of the DSP protein (p.Gly1281Asp). This variant is not present in population databases (gnomAD no frequency). This variant has not been reported in the literature in individuals affected with DSP-related conditions. ClinVar contains an entry for this variant (Variation ID: 1009819). An algorithm developed to predict the effect of missense changes on protein structure and function (PolyPhen-2) suggests that this variant is likely to be disruptive. In summary, the available evidence is currently insufficient to determine the role of this variant in disease. Therefore, it has been classified as a Variant of Uncertain Significance.

All of Us Research Program, National Institutes of Health
Classification: Uncertain significance for Arrhythmogenic cardiomyopathy with wooly hair and keratoderma. Last evaluated: 2023-06-28. Review status: criteria provided, single submitter. Criteria: ACMG Guidelines, 2015. Collection method: clinical testing. Allele origin: germline. Inheritance: Autosomal dominant inheritance. Observed: 1 variant allele, 1 heterozygote.
Comment: This study involves interpretation of variants in research participants for the purpose of population health screening. Participant phenotype was not available at the time of variant classification. Additional details can be found in publication PMID: 35346344, PMCID: PMC8962531